The following is an entry in ClinVar:

NM_006231.4(POLE):c.3803G>A (p.Trp1268Ter)

Gene: POLE (DNA polymerase epsilon, catalytic subunit; minus strand). Cytogenetic location: 12q24.33.
Variant type: single nucleotide variant.
Coding change: c.3803G>A on transcript NM_006231.4 (MANE Select); coding-DNA position 3803, G replaced by A.
Protein change: p.Trp1268Ter; replaces tryptophan 1268 with a stop codon.
Molecular consequence: nonsense.
Genome position (GRCh38, 1-based): chr12:132,649,508, C>T on the plus strand (G>A on the coding strand, the complement: POLE is on the minus strand). VCF-style: chr12-132649508-C-T. GRCh37 (hg19) VCF-style: chr12-133226094-C-T.
Other names: short protein forms W1268*.
Identifiers: ClinVar variation 4713458 (VCV004713458.1).

ClinVar aggregate classification (germline): Pathogenic (1 of 4 stars; one submission).

Submission:

Labcorp Genetics (formerly Invitae), Labcorp
Classification: Pathogenic. Last evaluated: 2025-02-19. Review status: criteria provided, single submitter. Criteria: Invitae Variant Classification Sherloc (09022015). Collection method: clinical testing. Allele origin: germline.
Comment: This sequence change creates a premature translational stop signal (p.Trp1268*) in the POLE gene. It is expected to result in an absent or disrupted protein product. Loss-of-function variants in POLE are known to be pathogenic (PMID: 23230001, 25948378, 30503519). This variant is not present in population databases (gnomAD no frequency). This variant has not been reported in the literature in individuals affected with POLE-related conditions. For these reasons, this variant has been classified as Pathogenic.

Literature cited by the submitters: PubMed 23230001; PubMed 25948378; PubMed 30503519.